The following is an entry in ClinVar:

ClinVar aggregate classification (germline): Uncertain significance (1 of 4 stars; one submission).

Allele frequency attached by ClinVar (database versions not stated): gnomAD exomes below 0.00001; TOPMed below 0.00001; gnomAD 0.00001.

Submission:

Women's Health and Genetics/Laboratory Corporation of America, LabCorp
Classification: Uncertain significance. Last evaluated: 2023-10-30. Review status: criteria provided, single submitter. Criteria: LabCorp Variant Classification Summary - May 2015. Collection method: clinical testing. Allele origin: germline.
Comment: Variant summary: SCN11A c.2203C>T (p.Leu735Phe) results in a non-conservative amino acid change located in the Ion transport domain (IPR005821) of the encoded protein sequence. Four of five in-silico tools predict a benign effect of the variant on protein function. The variant was absent in 251196 control chromosomes (gnomAD). The available data on variant occurrences in the general population are insufficient to allow any conclusion about variant significance. To our knowledge, no occurrence of c.2203C>T in individuals affected with Hereditary Sensory And Autonomic Neuropathy Type 7 and no experimental evidence demonstrating its impact on protein function have been reported. No submitters have cited clinical-significance assessments for this variant to ClinVar after 2014. Based on the evidence outlined above, the variant was classified as uncertain significance.

NM_001349253.2(SCN11A):c.2203C>T (p.Leu735Phe)

Gene: SCN11A (sodium voltage-gated channel alpha subunit 11; minus strand). Cytogenetic location: 3p22.2.
Variant type: single nucleotide variant.
Coding change: c.2203C>T on transcript NM_001349253.2 (MANE Select); coding-DNA position 2203, C replaced by T.
Protein change: p.Leu735Phe; replaces leucine 735 with phenylalanine.
Molecular consequence: missense variant.
Genome position (GRCh38, 1-based): chr3:38,897,045, G>A on the plus strand (C>T on the coding strand, the complement: SCN11A is on the minus strand). VCF-style: chr3-38897045-G-A. GRCh37 (hg19) VCF-style: chr3-38938536-G-A.
Other names: c.2203C>T, p.Leu735Phe (NM_014139.3); short protein forms L735F.
Identifiers: ClinVar variation 2637560 (VCV002637560.1), dbSNP rs2065613321, ClinGen allele CA352158477.